The following is an entry in ClinVar:

NM_000313.4(PROS1):c.646G>C (p.Val216Leu)

Gene: PROS1 (protein S; minus strand). Cytogenetic location: 3q11.1.
Variant type: single nucleotide variant.
Coding change: c.646G>C on transcript NM_000313.4 (MANE Select); coding-DNA position 646, G replaced by C.
Protein change: p.Val216Leu; replaces valine 216 with leucine.
Molecular consequence: missense variant.
Genome position (GRCh38, 1-based): chr3:93,900,885, C>G on the plus strand (G>C on the coding strand, the complement: PROS1 is on the minus strand). VCF-style: chr3-93900885-C-G. GRCh37 (hg19) VCF-style: chr3-93619729-C-G.
Other names: c.742G>C, p.Val248Leu (NM_001314077.2); short protein forms V216L, V248L.
Identifiers: ClinVar variation 4885448 (VCV004885448.2).

ClinVar aggregate classification (germline): Uncertain significance (1 of 4 stars; one submission).

Submission:

Dasa
Classification: Uncertain significance. Last evaluated: 2025-10-13. Review status: criteria provided, single submitter. Criteria: DASA Assertion Criteria. Collection method: clinical testing. Allele origin: germline.
Comment: NM_000313.4(PROS1):c.646G>C (p.Val216Leu) is a missense variant that results in the substitution of valine with leucine. This variant is absent from population databases. The currently available literature and clinical evidence are not sufficient to establish a definitive association between this variant and the reported condition. Therefore, this variant is classified as a variant of uncertain significance.